The following is an entry in ClinVar:

NM_015271.5(TRIM2):c.734G>A (p.Arg245His)

Gene: TRIM2 (tripartite motif containing 2; plus strand). Cytogenetic location: 4q31.3.
Variant type: single nucleotide variant.
Coding change: c.734G>A on transcript NM_015271.5 (MANE Select); coding-DNA position 734, G replaced by A.
Protein change: p.Arg245His; replaces arginine 245 with histidine.
Molecular consequence: missense variant. On other transcripts: intron variant (4).
Genome position (GRCh38, 1-based): chr4:153,294,433, G>A. VCF-style: chr4-153294433-G-A. GRCh37 (hg19) VCF-style: chr4-154215585-G-A.
Other names: c.734G>A (NM_015271.3); c.653G>A, p.Arg218His (NM_001130067.2, NM_001351056.2, NM_001375512.1 and 5 more transcripts); c.707G>A, p.Arg236His (NM_001351054.2); c.704G>A, p.Arg235His (NM_001351055.2); c.278G>A, p.Arg93His (NM_001351057.2); c.827G>A, p.Arg276His (NM_001375488.1); c.824G>A, p.Arg275His (NM_001375489.1); c.395G>A, p.Arg132His (NM_001375522.1, NM_001375523.1, NM_001375525.1); and 4 more; short protein forms R218H, R235H, R132H, R93H, R236H, R245H, R276H, R275H.
Identifiers: ClinVar variation 1986145 (VCV001986145.5), dbSNP rs927755127, ClinGen allele CA107915149.

ClinVar aggregate classification (germline): Uncertain significance. Review status: criteria provided, multiple submitters, no conflicts (2 of 4 stars). 2 submissions from 2 submitters: Uncertain significance (2). Last evaluated 2024-11-13.

Conditions:
Charcot-Marie-Tooth disease type 2R. Also called: Charcot-Marie-Tooth disease, axonal, type 2R; CHARCOT-MARIE-TOOTH NEUROPATHY, TYPE 2R; CHARCOT-MARIE-TOOTH DISEASE, AXONAL, AUTOSOMAL RECESSIVE, TYPE 2R. Identifiers: Orphanet 397968, MedGen C3809655, MONDO:0014208, OMIM 615490.

Allele frequency attached by ClinVar (database versions not stated): gnomAD exomes below 0.00001; gnomAD 0.00001.
gnomAD v4.1: 8 of 1,613,990 alleles (0.0005%); highest among the groups gnomAD compares: Admixed American, 0.0017%; no homozygotes.

Submissions (2):

Ambry Genetics
Classification: Uncertain significance. Last evaluated: 2024-11-13. Review status: criteria provided, single submitter. Criteria: Ambry Variant Classification Scheme 2023. Collection method: clinical testing. Allele origin: germline.

Labcorp Genetics (formerly Invitae), Labcorp
Classification: Uncertain significance for Charcot-Marie-Tooth disease type 2R. Last evaluated: 2022-10-07. Review status: criteria provided, single submitter. Criteria: Invitae Variant Classification Sherloc (09022015). Collection method: clinical testing. Allele origin: germline.
Comment: In summary, the available evidence is currently insufficient to determine the role of this variant in disease. Therefore, it has been classified as a Variant of Uncertain Significance. Algorithms developed to predict the effect of missense changes on protein structure and function (SIFT, PolyPhen-2, Align-GVGD) all suggest that this variant is likely to be disruptive. This variant has not been reported in the literature in individuals affected with TRIM2-related conditions. This variant is present in population databases (no rsID available, gnomAD 0.003%). This sequence change replaces arginine, which is basic and polar, with histidine, which is basic and polar, at codon 218 of the TRIM2 protein (p.Arg218His).